The following is an entry in ClinVar:

NM_020944.3(GBA2):c.1513G>A (p.Glu505Lys)

Gene: GBA2 (glucosylceramidase beta 2; minus strand). Cytogenetic location: 9p13.3.
Variant type: single nucleotide variant.
Coding change: c.1513G>A on transcript NM_020944.3 (MANE Select); coding-DNA position 1513, G replaced by A.
Protein change: p.Glu505Lys; replaces glutamic acid 505 with lysine.
Molecular consequence: missense variant.
Genome position (GRCh38, 1-based): chr9:35,739,697, C>T on the plus strand (G>A on the coding strand, the complement: GBA2 is on the minus strand). VCF-style: chr9-35739697-C-T. GRCh37 (hg19) VCF-style: chr9-35739694-C-T.
Other names: c.1513G>A, p.Glu505Lys (NM_001330660.2); short protein forms E505K.
Identifiers: ClinVar variation 3769977 (VCV003769977.2).
Genomic context (GRCh38, chr9:35,739,697, plus strand): 5'-AGCCAAATCGACCGTAGTCCCGTAGGGTGGGGCGGAGGTGACACATGTTTCTGCCCAGCT[C>T]CTCTGGTAGGGAGTCCTCAAGAACTTCCAGCCACACTGTGCCTCCATCAGCCAGGAAGTA-3'
Protein context (NP_065995.1, residues 495-515): LEVLEDSLPE[Glu505Lys]LGRNMCHLRP

ClinVar aggregate classification (germline): Uncertain significance. Review status: criteria provided, multiple submitters, no conflicts (2 of 4 stars). 2 submissions from 2 submitters: Uncertain significance (2). Last evaluated 2025-09-10.

Conditions:
Inborn genetic diseases. Identifiers: MedGen C0950123, MeSH D030342.

gnomAD v4.1: 5 of 1,614,016 alleles (0.00031%); highest among the groups gnomAD compares: African/African-American, 0.004%; no homozygotes.

Submissions (2):

Ambry Genetics
Classification: Uncertain significance for Inborn genetic diseases. Last evaluated: 2025-09-10. Review status: criteria provided, single submitter. Criteria: Ambry Variant Classification Scheme 2023. Collection method: clinical testing. Allele origin: germline.

GeneDx
Classification: Uncertain significance. Last evaluated: 2024-09-12. Review status: criteria provided, single submitter. Criteria: GeneDx Variant Classification Process June 2021. Collection method: clinical testing. Allele origin: germline. Affected: yes.
Comment: Not observed at significant frequency in large population cohorts (gnomAD); In silico analysis indicates that this missense variant does not alter protein structure/function; Has not been previously published as pathogenic or benign to our knowledge